The following is an entry in ClinVar:

NM_201384.3(PLEC):c.9332G>A (p.Gly3111Glu)

Gene: PLEC (plectin; minus strand). Cytogenetic location: 8q24.3.
Variant type: single nucleotide variant.
Coding change: c.9332G>A on transcript NM_201384.3 (MANE Select); coding-DNA position 9332, G replaced by A.
Protein change: p.Gly3111Glu; replaces glycine 3111 with glutamic acid.
Molecular consequence: missense variant.
Genome position (GRCh38, 1-based): chr8:143,920,489, C>T on the plus strand (G>A on the coding strand, the complement: PLEC is on the minus strand). VCF-style: chr8-143920489-C-T. GRCh37 (hg19) VCF-style: chr8-144994657-C-T.
Other names: c.9413G>A, p.Gly3138Glu (NM_000445.5); c.9290G>A, p.Gly3097Glu (NM_201378.4); c.9266G>A, p.Gly3089Glu (NM_201379.3); c.9743G>A, p.Gly3248Glu (NM_201380.4); c.9236G>A, p.Gly3079Glu (NM_201381.3); c.9332G>A, p.Gly3111Glu (NM_201382.4); c.9344G>A, p.Gly3115Glu (NM_201383.3); short protein forms G3079E, G3115E, G3089E, G3097E, G3138E, G3111E, G3248E.
Identifiers: ClinVar variation 1428115 (VCV001428115.8), dbSNP rs782797440, ClinGen allele CA4925001.

ClinVar aggregate classification (germline): Uncertain significance (1 of 4 stars; one submission).

Conditions:
Epidermolysis bullosa simplex 5B, with muscular dystrophy (EBS5B). Also called: EPIDERMOLYSIS BULLOSA SIMPLEX AND LIMB-GIRDLE MUSCULAR DYSTROPHY; Epidermolysis bullosa simplex with muscular dystrophy. Identifiers: Orphanet 257, MedGen C2931072, MONDO:0009181, OMIM 226670.
Epidermolysis bullosa simplex, Ogna type (EBS5A). Also called: Pidermolysis bullosa simplex 5A, Ogna type; EPIDERMOLYSIS BULLOSA SIMPLEX 5A, OGNA TYPE. Identifiers: Orphanet 79401, MedGen C0432317, MONDO:0007555, OMIM 131950.
Epidermolysis bullosa simplex with nail dystrophy (EBS5D). Identifiers: MedGen C4225309, MONDO:0014661, OMIM 616487.
Epidermolysis bullosa simplex 5C, with pyloric atresia (EBS5C). Also called: PLEC1-Related Epidermolysis Bullosa with Pyloric Atresia; Epidermolysis bullosa simplex with pyloric atresia; PLEC-Related Epidermolysis Bullosa with Pyloric Atresia. Identifiers: Orphanet 158684, MedGen C2677349, MONDO:0012807, OMIM 612138.
Autosomal recessive limb-girdle muscular dystrophy type 2Q (LGMDR17). Also called: MUSCULAR DYSTROPHY, LIMB-GIRDLE, AUTOSOMAL RECESSIVE 17. Identifiers: Orphanet 254361, MedGen C3150989, MONDO:0013390, OMIM 613723.

Allele frequency attached by ClinVar (database versions not stated): gnomAD 0.00001; gnomAD exomes 0.00001; TOPMed 0.00001; ExAC 0.00002.
gnomAD v4.1: 13 of 1,608,504 alleles (0.00081%); highest among the groups gnomAD compares: Admixed American, 0.0017%; no homozygotes.

Submission:

Labcorp Genetics (formerly Invitae), Labcorp
Classification: Uncertain significance for Autosomal recessive limb-girdle muscular dystrophy type 2Q; Epidermolysis bullosa simplex, Ogna type; Epidermolysis bullosa simplex with nail dystrophy; Epidermolysis bullosa simplex 5C, with pyloric atresia; Epidermolysis bullosa simplex 5B, with muscular dystrophy. Last evaluated: 2025-10-21. Review status: criteria provided, single submitter. Criteria: Invitae Variant Classification Sherloc (09022015). Collection method: clinical testing. Allele origin: germline.
Comment: This sequence change replaces glycine, which is neutral and non-polar, with glutamic acid, which is acidic and polar, at codon 3138 of the PLEC protein (p.Gly3138Glu). The frequency data for this variant in the population databases is considered unreliable, as metrics indicate poor data quality at this position in the gnomAD database. This variant has not been reported in the literature in individuals affected with PLEC-related conditions. ClinVar contains an entry for this variant (Variation ID: 1428115). An algorithm developed to predict the effect of missense changes on protein structure and function (PolyPhen-2) suggests that this variant is likely to be disruptive. In summary, the available evidence is currently insufficient to determine the role of this variant in disease. Therefore, it has been classified as a Variant of Uncertain Significance.